The following is an entry in ClinVar:

ClinVar aggregate classification (germline): Pathogenic/Likely pathogenic. Review status: criteria provided, multiple submitters, no conflicts (2 of 4 stars). 8 submissions from 8 submitters: Pathogenic (3); Likely pathogenic (4). 1 of the submissions does not count toward it. Last evaluated 2023-04-27.

Conditions:
Hereditary spastic paraplegia. Also called: Familial spastic paraparesis. Identifiers: Orphanet 685, MedGen C0037773, MONDO:0019064. Disease mechanism: loss of function.
Hereditary spastic paraplegia 4. Also called: Spastic paraplegia 4, autosomal dominant; Spastic Paraplegia 4; Familial spastic paraplegia autosomal dominant 2. Identifiers: Orphanet 100985, MedGen C1866855, MONDO:0008438, OMIM 182601.

Allele frequency attached by ClinVar (database versions not stated): gnomAD exomes below 0.00001.
gnomAD v4.1: 3 of 1,611,034 alleles (0.00019%); highest among the groups gnomAD compares: Non-Finnish European, 0.00017%; no homozygotes.

Submissions (8):

Neurometabolic Diseases Laboratory, Bellvitge Biomedical Research Institute (IDIBELL)
Classification: Likely pathogenic for Hereditary spastic paraplegia 4. Last evaluated: 2023-04-27. Review status: criteria provided, single submitter. Criteria: ACMG Guidelines, 2015. Collection method: research. Allele origin: germline. Affected: yes.

3billion
Classification: Pathogenic for Hereditary spastic paraplegia 4. Last evaluated: 2023-02-23. Review status: criteria provided, single submitter. Criteria: ACMG Guidelines, 2015. Collection method: clinical testing. Allele origin: unknown. Affected: yes.
Comment: The variant is observed at an extremely low frequency in the gnomAD v2.1.1 dataset (total allele frequency: <0.001%). The variant is located in a mutational hot spot and/or well-established functional domain in which established pathogenic variants have been reported. In silico tool predictions suggest damaging effect of the variant on gene or gene product (REVEL: 0.92; 3Cnet: 0.99). Same nucleotide change resulting in same amino acid change has been previously reported as pathogenic/likely pathogenic with strong evidence (ClinVar ID: VCV000219575). Different missense changes at the same codon (p.Arg503Leu, p.Arg503Pro) have been reported to be associated with SPAST related disorder (PMID: 12552568, 26374131). Therefore, this variant is classified as Pathogenic according to the recommendation of ACMG/AMP guideline.

Athena Diagnostics
Classification: Likely pathogenic. Last evaluated: 2022-03-17. Review status: criteria provided, single submitter. Criteria: Athena Diagnostics Criteria. Collection method: clinical testing. Allele origin: unknown.
Comment: The frequency of this variant in the general population is consistent with pathogenicity. This variant has been identified in multiple unrelated individuals with clinical features associated with this gene. Computational tools predict that this variant is damaging.

MGZ Medical Genetics Center
Classification: Likely pathogenic for Hereditary spastic paraplegia 4. Last evaluated: 2022-01-17. Review status: criteria provided, single submitter. Criteria: ACMG Guidelines, 2015. Collection method: clinical testing. Allele origin: germline. Affected: yes. Observed: 1 variant allele.
Comment: ACMG criteria applied: PS4_MOD, PM1, PM5, PM2_SUP, PP3

Labcorp Genetics (formerly Invitae), Labcorp
Classification: Pathogenic for Hereditary spastic paraplegia 4. Last evaluated: 2021-10-31. Review status: criteria provided, single submitter. Criteria: Invitae Variant Classification Sherloc (09022015). Collection method: clinical testing. Allele origin: germline.
Comment: ClinVar contains an entry for this variant (Variation ID: 219575). This missense change has been observed in individuals with hereditary spastic paraplegia (PMID: 16055926, 17594340, 18701882, 20932283). This variant is present in population databases (no rsID available, gnomAD 0.005%). This sequence change replaces arginine, which is basic and polar, with tryptophan, which is neutral and slightly polar, at codon 503 of the SPAST protein (p.Arg503Trp). For these reasons, this variant has been classified as Pathogenic. This variant disrupts the p.Arg503 amino acid residue in SPAST. Other variant(s) that disrupt this residue have been observed in individuals with SPAST-related conditions (PMID: 12552568, 26374131), which suggests that this may be a clinically significant amino acid residue. Advanced modeling of protein sequence and biophysical properties (such as structural, functional, and spatial information, amino acid conservation, physicochemical variation, residue mobility, and thermodynamic stability) performed at Invitae indicates that this missense variant is expected to disrupt SPAST protein function.

CeGaT Center for Human Genetics Tuebingen
Classification: Likely pathogenic. Last evaluated: 2017-10-01. Review status: criteria provided, single submitter. Criteria: CeGaT Center For Human Genetics Tuebingen Variant Classification Criteria Version 2. Collection method: clinical testing. Allele origin: germline. Affected: yes. Observed: 1 variant allele.

Genome Diagnostics Laboratory, The Hospital for Sick Children
Classification: Pathogenic for Hereditary spastic paraplegia. Last evaluated: 2016-12-12. Review status: criteria provided, single submitter. Criteria: ACMG Guidelines, 2015. Collection method: clinical testing. Allele origin: germline. Affected: yes.

Codex Genetics Limited
Classification: Pathogenic for Spastic paraplegia 4, autosomal dominant. Last evaluated: 2019-02-28. Review status: no assertion criteria provided. Collection method: provider interpretation. Allele origin: germline. Affected: yes. Not counted in ClinVar's aggregate classification.

Literature cited by the submitters: PubMed 12552568 (cited by 3 submitters); PubMed 26374131 (cited by 3 submitters); PubMed 22960362 (cited by Athena Diagnostics); PubMed 24451228 (cited by Athena Diagnostics); PubMed 30476002 (cited by Athena Diagnostics); PubMed 32092540 (cited by Athena Diagnostics); PubMed 16055926 (cited by 3 submitters); PubMed 16682546 (cited by Athena Diagnostics); PubMed 17594340 (cited by 3 submitters); PubMed 18701882 (cited by 3 submitters); PubMed 20932283 (cited by 3 submitters).

NM_014946.4(SPAST):c.1507C>T (p.Arg503Trp)

Gene: SPAST (spastin; plus strand). Cytogenetic location: 2p22.3.
Variant type: single nucleotide variant.
Coding change: c.1507C>T on transcript NM_014946.4 (MANE Select); coding-DNA position 1507, C replaced by T.
Protein change: p.Arg503Trp; replaces arginine 503 with tryptophan.
Molecular consequence: missense variant.
Genome position (GRCh38, 1-based): chr2:32,141,917, C>T. VCF-style: chr2-32141917-C-T. GRCh37 (hg19) VCF-style: chr2-32366986-C-T.
Other names: c.1504C>T, p.Arg502Trp (NM_001363823.2); c.1408C>T, p.Arg470Trp (NM_001363875.2); c.1411C>T, p.Arg471Trp (NM_001377959.1, NM_199436.2); short protein forms R503W, R470W, R471W, R502W.
Identifiers: ClinVar variation 219575 (VCV000219575.85), dbSNP rs864622162, ClinGen allele CA348315.